The following is an entry in ClinVar:

ClinVar aggregate classification (germline): Uncertain significance (1 of 4 stars; one submission).

Conditions:
Neurofibromatosis, type 2 (SWNV). Also called: BILATERAL ACOUSTIC NEUROFIBROMATOSIS; NF2-Related Schwannomatosis; SCHWANNOMATOSIS, VESTIBULAR. Identifiers: Orphanet 637, MedGen C0027832, MONDO:0007039, OMIM 101000. Disease mechanism: loss of function.

Submission:

Labcorp Genetics (formerly Invitae), Labcorp
Classification: Uncertain significance for Neurofibromatosis, type 2. Last evaluated: 2025-07-21. Review status: criteria provided, single submitter. Criteria: Invitae Variant Classification Sherloc (09022015). Collection method: clinical testing. Allele origin: germline.
Comment: This sequence change replaces proline, which is neutral and non-polar, with serine, which is neutral and polar, at codon 102 of the NF2 protein (p.Pro102Ser). This variant is not present in population databases (gnomAD no frequency). This variant has not been reported in the literature in individuals affected with NF2-related conditions. Invitae Evidence Modeling of protein sequence and biophysical properties (such as structural, functional, and spatial information, amino acid conservation, physicochemical variation, residue mobility, and thermodynamic stability) indicates that this missense variant is expected to disrupt NF2 protein function with a positive predictive value of 80%. In summary, the available evidence is currently insufficient to determine the role of this variant in disease. Therefore, it has been classified as a Variant of Uncertain Significance.

NM_000268.4(NF2):c.304C>T (p.Pro102Ser)

Gene: NF2 (NF2, moesin-ezrin-radixin like (MERLIN) tumor suppressor; plus strand). Cytogenetic location: 22q12.2.
Variant type: single nucleotide variant.
Coding change: c.304C>T on transcript NM_000268.4 (MANE Select); coding-DNA position 304, C replaced by T.
Protein change: p.Pro102Ser; replaces proline 102 with serine.
Molecular consequence: missense variant. On other transcripts: intron variant (8), 5 prime UTR variant (1).
Genome position (GRCh38, 1-based): chr22:29,639,153, C>T. VCF-style: chr22-29639153-C-T. GRCh37 (hg19) VCF-style: chr22-30035142-C-T.
Other names: c.115-3049C>T (NM_181831.3, NM_001407063.1, NM_181830.3 and 1 more transcripts); c.304C>T, p.Pro102Ser (NM_016418.5, NM_181825.3, NM_181832.3 and 5 more transcripts); c.178C>T, p.Pro60Ser (NM_181828.3, NM_001407055.1); c.240+2277C>T (NM_001407058.1, NM_181829.3, NM_001407054.1 and 1 more transcripts); c.190C>T, p.Pro64Ser (NM_001407056.1, NM_001407053.1); c.-337C>T (NM_001407065.1); c.73C>T, p.Pro25Ser (NM_001407067.1); short protein forms P25S, P102S, P64S, P60S.
Identifiers: ClinVar variation 4750872 (VCV004750872.1).